The following is an entry in ClinVar:

NM_007294.4(BRCA1):c.1655G>T (p.Gly552Val)

Gene: BRCA1 (BRCA1 DNA repair associated; minus strand). Cytogenetic location: 17q21.31.
Variant type: single nucleotide variant.
Coding change: c.1655G>T on transcript NM_007294.4 (MANE Select); coding-DNA position 1655, G replaced by T.
Protein change: p.Gly552Val; replaces glycine 552 with valine.
Molecular consequence: missense variant. On other transcripts: intron variant (137).
Genome position (GRCh38, 1-based): chr17:43,093,876, C>A on the plus strand (G>T on the coding strand, the complement: BRCA1 is on the minus strand). VCF-style: chr17-43093876-C-A. GRCh37 (hg19) VCF-style: chr17-41245893-C-A.
Other names: c.664+868G>T (NM_001408442.1, NM_001408426.1, NM_001408436.1 and 12 more transcripts); c.787+868G>T (NM_001407982.1, NM_001407970.1, NM_001407980.1 and 19 more transcripts); c.1442G>T, p.Gly481Val (NM_001407571.1, NM_001407853.1, NM_001407894.1 and 9 more transcripts); c.1655G>T, p.Gly552Val (NM_001407581.1, NM_001407582.1, NM_001407583.1 and 30 more transcripts); c.1652G>T, p.Gly551Val (NM_001407587.1, NM_001407590.1, NM_001407591.1 and 22 more transcripts); c.1646G>T, p.Gly549Val (NM_001407646.1, NM_001407647.1); c.1532G>T, p.Gly511Val (NM_001407648.1, NM_001407664.1, NM_001407665.1 and 19 more transcripts); c.1529G>T, p.Gly510Val (NM_001407649.1, NM_001407670.1, NM_001407671.1 and 11 more transcripts); and 40 more; short protein forms G552V, G505V, G463V, G511V, G525V, G526V, G256V, G384V.
Identifiers: ClinVar variation 54319 (VCV000054319.4), dbSNP rs397508893, ClinGen allele CA001093.

ClinVar aggregate classification (germline): Likely benign. Review status: criteria provided, single submitter (1 of 4 stars). 2 submissions from 2 submitters: Likely benign (1). 1 of the submissions does not count toward it. Last evaluated 2023-03-23.

Conditions:
Hereditary cancer-predisposing syndrome. Also called: Neoplastic Syndromes, Hereditary; Tumor predisposition; Hereditary Cancer Syndrome; Hereditary neoplastic syndrome. Identifiers: Orphanet 140162, MedGen C0027672, MeSH D009386, MONDO:0015356.
Familial cancer of breast. Also called: BREAST CANCER, FAMILIAL; Hereditary breast cancer; hereditary breast carcinoma. Identifiers: Orphanet 227535, MedGen C0346153, MONDO:0016419, OMIM 114480. Disease mechanism: loss of function.

Submissions (2):

University of Washington Department of Laboratory Medicine, University of Washington
Classification: Likely benign for Hereditary cancer-predisposing syndrome. Last evaluated: 2023-03-23. Review status: criteria provided, single submitter. Criteria: Dines et al. (Genet Med. 2020). Collection method: curation. Allele origin: germline.
Comment: Missense variant in a coldspot region where missense variants are very unlikely to be pathogenic (PMID:31911673).

BRCA1 coldspot (exon 11 using historical exon numbering). Reclassification based on statistical prior probability

ClinVar Staff, National Center for Biotechnology Information (NCBI)
No classification provided. Condition: Familial cancer of breast. Review status: no classification provided. Collection method: literature only. Allele origin: germline. Affected: yes. Not counted in ClinVar's aggregate classification.

Literature cited by the submitters: PubMed 9609997 (cited by ClinVar Staff, National Center for Biotechnology Information (NCBI)).